The following is an entry in ClinVar:

ClinVar aggregate classification (germline): Uncertain significance (1 of 4 stars; one submission).

Conditions:
Cortical dysplasia-focal epilepsy syndrome (PTHSL1). Also called: Pitt-Hopkins-like syndrome 1. Identifiers: Orphanet 163681, Orphanet 221150, MedGen C2750246, MONDO:0012400, OMIM 610042.

Submission:

St. Anna Children's Cancer Research Institute (CCRI)
Classification: Uncertain significance for Cortical dysplasia-focal epilepsy syndrome. Last evaluated: 2023-02-08. Review status: criteria provided, single submitter. Criteria: ACMG Guidelines, 2015. Collection method: research. Allele origin: maternal. Inheritance: Autosomal dominant inheritance. Affected: yes. Observed: 1 heterozygote.
Comment: ACMG classification of pathogenicity: PVS1, PM2

NM_014141.6(CNTNAP2):c.1628del (p.Ser543fs)

Gene: CNTNAP2 (contactin associated protein 2; plus strand). Cytogenetic location: 7q35.
Variant type: Deletion.
Coding change: c.1628del on transcript NM_014141.6 (MANE Select); coding-DNA position 1628, one base deleted (G; older notation c.1628delG).
Protein change: p.Ser543fs; shifts the reading frame from serine 543.
Molecular consequence: frameshift variant.
Genome position (GRCh38, 1-based): chr7:147,395,738, G deleted. VCF-style (leftmost placement, unchanged base first): chr7-147395737-AG-A. GRCh37 (hg19) VCF-style: chr7-147092829-AG-A.
Other names: short protein forms S543fs.
Identifiers: ClinVar variation 2429340 (VCV002429340.4), dbSNP rs2116454192, ClinGen allele CA2580077653.
Genomic context (GRCh38, chr7:147,395,737, plus strand): 5'-CTCATTCAAGTGGACGATCAACTTGTAAATTTATACGAAGTGGCACAAAGGAAGCCGGGA[AG>A]TTTCGCGAATGTCAGCATTGACATGTGTGCGATCATAGACAGGTAAATGATCTTTTCATC-3'